The following is an entry in ClinVar:

NM_001127208.3(TET2):c.5697C>T (p.Leu1899=)

Genes: TET2 (tet methylcytosine dioxygenase 2; plus strand), TET2-AS1 (TET2 antisense RNA 1; minus strand). Cytogenetic location: 4q24.
Variant type: single nucleotide variant.
Coding change: c.5697C>T on transcript NM_001127208.3 (MANE Select); coding-DNA position 5697, C replaced by T.
Protein change: p.Leu1899=; no amino-acid change (leucine 1899 retained).
Molecular consequence: synonymous variant.
Genome position (GRCh38, 1-based): chr4:105,276,207, C>T. VCF-style: chr4-105276207-C-T. GRCh37 (hg19) VCF-style: chr4-106197364-C-T.
Identifiers: ClinVar variation 2908438 (VCV002908438.5), dbSNP rs1009227043, ClinGen allele CA102739198.
Genomic context (GRCh38, chr4:105,276,207, plus strand): 5'-GCTGCATGCCACAACCCCTTTAAAGAATCCCAATAGGAATCACCCCACCAGGATCTCCCT[C>T]GTCTTTTACCAGCATAAGAGCATGAATGAGCCAAAACATGGCTTGGCTCTTTGGGAAGCC-3'
Protein context (NP_001120680.1, residues 1889-1909): PNRNHPTRIS[Leu1899=]VFYQHKSMNE

ClinVar aggregate classification (germline): Likely benign. Review status: criteria provided, single submitter (1 of 4 stars). 2 submissions from 2 submitters: Likely benign (1). 1 of the submissions does not count toward it. Last evaluated 2023-07-07.

Conditions:
TET2-related disorder. Also called: TET2-related condition.

Allele frequency attached by ClinVar (database versions not stated): gnomAD 0.00001; gnomAD exomes 0.00001.
gnomAD v4.1: 11 of 1,551,566 alleles (0.00071%); highest among the groups gnomAD compares: Non-Finnish European, 0.00078%; no homozygotes.

Submissions (2):

Labcorp Genetics (formerly Invitae), Labcorp
Classification: Likely benign. Last evaluated: 2023-07-07. Review status: criteria provided, single submitter. Criteria: Invitae Variant Classification Sherloc (09022015). Collection method: clinical testing. Allele origin: germline.

PreventionGenetics, part of Exact Sciences
Classification: Likely benign for TET2-related condition. Last evaluated: 2019-03-29. Review status: no assertion criteria provided. Collection method: clinical testing. Allele origin: germline. Not counted in ClinVar's aggregate classification.
Comment: This variant is classified as likely benign based on ACMG/AMP sequence variant interpretation guidelines (Richards et al. 2015 PMID: 25741868, with internal and published modifications).